The following is an entry in ClinVar:

NM_003468.4(FZD5):c.1010C>A (p.Ser337Ter)

Gene: FZD5 (frizzled class receptor 5; minus strand). Cytogenetic location: 2q33.3.
Variant type: single nucleotide variant.
Coding change: c.1010C>A on transcript NM_003468.4 (MANE Select); coding-DNA position 1010, C replaced by A.
Protein change: p.Ser337Ter; replaces serine 337 with a stop codon.
Molecular consequence: nonsense.
Genome position (GRCh38, 1-based): chr2:207,767,730, G>T on the plus strand (C>A on the coding strand, the complement: FZD5 is on the minus strand). VCF-style: chr2-207767730-G-T. GRCh37 (hg19) VCF-style: chr2-208632454-G-T.
Other names: short protein forms S337*.
Identifiers: ClinVar variation 4717150 (VCV004717150.1).

ClinVar aggregate classification (germline): Uncertain significance (1 of 4 stars; one submission).

gnomAD v4.1: 1 of 1,614,144 alleles (0.000062%); highest among the groups gnomAD compares: Non-Finnish European, 0.000085%; no homozygotes.

Submission:

Labcorp Genetics (formerly Invitae), Labcorp
Classification: Uncertain significance. Last evaluated: 2025-04-10. Review status: criteria provided, single submitter. Criteria: Invitae Variant Classification Sherloc (09022015). Collection method: clinical testing. Allele origin: germline.
Comment: This sequence change creates a premature translational stop signal (p.Ser337*) in the FZD5 gene. While this is not anticipated to result in nonsense mediated decay, it is expected to disrupt the last 249 amino acid(s) of the FZD5 protein. This variant is not present in population databases (gnomAD no frequency). This variant has not been reported in the literature in individuals affected with FZD5-related conditions. Experimental studies and prediction algorithms are not available or were not evaluated, and the functional significance of this variant is currently unknown. In summary, the available evidence is currently insufficient to determine the role of this variant in disease. Therefore, it has been classified as a Variant of Uncertain Significance.